The following is an entry in ClinVar:

NM_004525.3(LRP2):c.6882T>C (p.Asp2294=)

Gene: LRP2 (LDL receptor related protein 2; minus strand). Cytogenetic location: 2q31.1.
Variant type: single nucleotide variant.
Coding change: c.6882T>C on transcript NM_004525.3 (MANE Select); coding-DNA position 6882, T replaced by C.
Protein change: p.Asp2294=; no amino-acid change (aspartic acid 2294 retained).
Molecular consequence: synonymous variant.
Genome position (GRCh38, 1-based): chr2:169,206,838, A>G on the plus strand (T>C on the coding strand, the complement: LRP2 is on the minus strand). VCF-style: chr2-169206838-A-G. GRCh37 (hg19) VCF-style: chr2-170063348-A-G.
Identifiers: ClinVar variation 4991377 (VCV004991377.1).

ClinVar aggregate classification (germline): Likely benign (1 of 4 stars; one submission).

Conditions:
LRP2-related disorder. Also called: LRP2-related condition.

gnomAD v4.1: 1 of 1,614,150 alleles (0.000062%); highest among the groups gnomAD compares: South Asian, 0.0011%; no homozygotes.

Submission:

PreventionGenetics, part of Exact Sciences
Classification: Likely benign for LRP2-related condition. Last evaluated: 2026-05-28. Review status: criteria provided, single submitter. Criteria: ACMG Guidelines, 2015. Collection method: clinical testing. Allele origin: germline.
Comment: This variant is classified as likely benign based on ACMG/AMP sequence variant interpretation guidelines (Richards et al. 2015 PMID: 25741868, with internal and published modifications).